The following is an entry in ClinVar:

NM_001170629.2(CHD8):c.4250T>C (p.Val1417Ala)

Gene: CHD8 (chromodomain helicase DNA binding protein 8; minus strand). Cytogenetic location: 14q11.2.
Variant type: single nucleotide variant.
Coding change: c.4250T>C on transcript NM_001170629.2 (MANE Select); coding-DNA position 4250, T replaced by C.
Protein change: p.Val1417Ala; replaces valine 1417 with alanine.
Molecular consequence: missense variant.
Genome position (GRCh38, 1-based): chr14:21,400,995, A>G on the plus strand (T>C on the coding strand, the complement: CHD8 is on the minus strand). VCF-style: chr14-21400995-A-G. GRCh37 (hg19) VCF-style: chr14-21869154-A-G.
Other names: c.3413T>C, p.Val1138Ala (NM_020920.4); short protein forms V1138A, V1417A.
Identifiers: ClinVar variation 2506849 (VCV002506849.1), dbSNP rs2501890954, ClinGen allele CA388895424.

ClinVar aggregate classification (germline): Uncertain significance (1 of 4 stars; one submission).

Submission:

GeneDx
Classification: Uncertain significance. Last evaluated: 2022-12-22. Review status: criteria provided, single submitter. Criteria: GeneDx Variant Classification Process June 2021. Collection method: clinical testing. Allele origin: germline. Affected: yes.
Comment: Not observed at significant frequency in large population cohorts (gnomAD); In silico analysis supports that this missense variant does not alter protein structure/function; Has not been previously published as pathogenic or benign to our knowledge